The following is an entry in ClinVar:

ClinVar aggregate classification (germline): Uncertain significance. Review status: criteria provided, multiple submitters, no conflicts (2 of 4 stars). 2 submissions from 2 submitters: Uncertain significance (2). Last evaluated 2025-07-07.

gnomAD v4.1: 1 of 1,612,914 alleles (0.000062%); highest among the groups gnomAD compares: Non-Finnish European, 0.000085%; no homozygotes.

Submissions (2):

Women's Health and Genetics/Laboratory Corporation of America, LabCorp
Classification: Uncertain significance. Last evaluated: 2025-07-07. Review status: criteria provided, single submitter. Criteria: LabCorp Variant Classification Summary - May 2015. Collection method: clinical testing. Allele origin: germline.
Comment: Variant summary: CFTR c.2494T>G (p.Cys832Gly) results in a non-conservative amino acid change in the encoded protein sequence. Algorithms developed to predict the effect of missense changes on protein structure and function all suggest that this variant is likely to be disruptive. The variant allele was found at a frequency of 4e-06 in 251286 control chromosomes. The available data on variant occurrences in the general population are insufficient to allow any conclusion about variant significance. To our knowledge, no occurrence of c.2494T>G in individuals affected with Cystic Fibrosis and no experimental evidence demonstrating its impact on protein function have been reported. No submitters have cited clinical-significance assessments for this variant to ClinVar. Based on the evidence outlined above, the variant was classified as uncertain significance.

ARUP Laboratories, Molecular Genetics and Genomics, ARUP Laboratories
Classification: Uncertain significance. Last evaluated: 2025-06-17. Review status: criteria provided, single submitter. Criteria: ARUP Molecular Germline Variant Investigation Process 2024. Collection method: clinical testing. Allele origin: germline.
Comment: The CFTR c.2494T>G; p.Cys832Gly (rs916311463) is reported in the literature in an individual affected with a CFTR-related metabolic syndrome; however, this individual also carried p.Asp1152His and 12TG-5T on opposite chromosomes which likely explained the clinical phenotype (Terlizzi 2020). This variant is only observed on one allele in the Genome Aggregation Database (v2.1.1), indicating is it not a common polymorphism. Computational analyses predict that this variant is deleterious (REVEL: 0.804). Due to limited information, the clinical significance of this variant is uncertain at this time. References: Terlizzi V et al. CRMS/CFSPID Subjects Carrying D1152H CFTR Variant: Can the Second Variant Be a Predictor of Disease Development? Diagnostics (Basel). 2020 Dec 12;10(12):1080. PMID: 33322690.

NM_000492.4(CFTR):c.2494T>G (p.Cys832Gly)

Gene: CFTR (CF transmembrane conductance regulator; plus strand). Cytogenetic location: 7q31.2.
Variant type: single nucleotide variant.
Coding change: c.2494T>G on transcript NM_000492.4 (MANE Select); coding-DNA position 2494, T replaced by G.
Protein change: p.Cys832Gly; replaces cysteine 832 with glycine.
Molecular consequence: missense variant.
Genome position (GRCh38, 1-based): chr7:117,594,933, T>G. VCF-style: chr7-117594933-T-G. GRCh37 (hg19) VCF-style: chr7-117234987-T-G.
Other names: short protein forms C832G.
Identifiers: ClinVar variation 4526116 (VCV004526116.2).